The following is an entry in ClinVar:

NM_001113378.2(FANCI):c.571G>A (p.Val191Met)

Gene: FANCI (FA complementation group I; plus strand). Cytogenetic location: 15q26.1.
Variant type: single nucleotide variant.
Coding change: c.571G>A on transcript NM_001113378.2 (MANE Select); coding-DNA position 571, G replaced by A.
Protein change: p.Val191Met; replaces valine 191 with methionine.
Molecular consequence: missense variant.
Genome position (GRCh38, 1-based): chr15:89,263,928, G>A. VCF-style: chr15-89263928-G-A. GRCh37 (hg19) VCF-style: chr15-89807159-G-A.
Other names: c.292G>A, p.Val98Met (NM_001376910.1); c.571G>A, p.Val191Met (NM_001376911.1, NM_018193.3); short protein forms V98M, V191M.
Identifiers: ClinVar variation 947332 (VCV000947332.8), dbSNP rs1296106146, ClinGen allele CA393738922.

ClinVar aggregate classification (germline): Uncertain significance. Review status: criteria provided, multiple submitters, no conflicts (2 of 4 stars). 2 submissions from 2 submitters: Uncertain significance (2). Last evaluated 2022-05-11.

Conditions:
Fanconi anemia (FA). Also called: Fanconi's anemia. Identifiers: Orphanet 84, MedGen C0015625, MeSH D005199, MONDO:0019391.
Fanconi anemia complementation group I (FANCI). Also called: FANCI-Related Fanconi Anemia. Identifiers: Orphanet 84, MedGen C1836861, MONDO:0012186, OMIM 609053.

Allele frequency attached by ClinVar (database versions not stated): gnomAD exomes 0.00001; TOPMed 0.00001.

Submissions (2):

Fulgent Genetics
Classification: Uncertain significance for Fanconi anemia complementation group I. Last evaluated: 2022-05-11. Review status: criteria provided, single submitter. Criteria: ACMG Guidelines, 2015. Collection method: clinical testing. Allele origin: unknown.

Labcorp Genetics (formerly Invitae), Labcorp
Classification: Uncertain significance for Fanconi anemia. Last evaluated: 2021-09-01. Review status: criteria provided, single submitter. Criteria: Invitae Variant Classification Sherloc (09022015). Collection method: clinical testing. Allele origin: germline.
Comment: This sequence change replaces valine with methionine at codon 191 of the FANCI protein (p.Val191Met). The valine residue is weakly conserved and there is a small physicochemical difference between valine and methionine. This variant is not present in population databases (ExAC no frequency). This variant has not been reported in the literature in individuals affected with FANCI-related conditions. Algorithms developed to predict the effect of missense changes on protein structure and function output the following: SIFT: "Tolerated"; PolyPhen-2: "Benign"; Align-GVGD: "Class C0". The methionine amino acid residue is found in multiple mammalian species, which suggests that this missense change does not adversely affect protein function. In summary, the available evidence is currently insufficient to determine the role of this variant in disease. Therefore, it has been classified as a Variant of Uncertain Significance.